The following is an entry in ClinVar:

NM_002439.5(MSH3):c.344T>C (p.Met115Thr)

Gene: MSH3 (mutS homolog 3; plus strand). Cytogenetic location: 5q14.1.
Variant type: single nucleotide variant.
Coding change: c.344T>C on transcript NM_002439.5 (MANE Select); coding-DNA position 344, T replaced by C.
Protein change: p.Met115Thr; replaces methionine 115 with threonine.
Molecular consequence: missense variant.
Genome position (GRCh38, 1-based): chr5:80,656,517, T>C. VCF-style: chr5-80656517-T-C. GRCh37 (hg19) VCF-style: chr5-79952336-T-C.
Other names: short protein forms M115T.
Identifiers: ClinVar variation 660722 (VCV000660722.20), dbSNP rs1424813265, ClinGen allele CA360266555.

ClinVar aggregate classification (germline): Conflicting classifications of pathogenicity. Review status: criteria provided, conflicting classifications (1 of 4 stars). 4 submissions from 4 submitters: Uncertain significance (2); Likely benign (2). Last evaluated 2025-06-26.

Conditions:
Hereditary cancer-predisposing syndrome. Also called: Neoplastic Syndromes, Hereditary; Hereditary Cancer Syndrome; Tumor predisposition; Hereditary neoplastic syndrome. Identifiers: Orphanet 140162, MedGen C0027672, MeSH D009386, MONDO:0015356.

Allele frequency attached by ClinVar (database versions not stated): gnomAD exomes below 0.00001; TOPMed below 0.00001; gnomAD 0.00001.

Submissions (4):

Ambry Genetics
Classification: Likely benign for Hereditary cancer-predisposing syndrome. Last evaluated: 2025-06-26. Review status: criteria provided, single submitter. Criteria: Ambry Variant Classification Scheme 2023. Collection method: clinical testing. Allele origin: germline.

Labcorp Genetics (formerly Invitae), Labcorp
Classification: Uncertain significance. Last evaluated: 2025-04-27. Review status: criteria provided, single submitter. Criteria: Invitae Variant Classification Sherloc (09022015). Collection method: clinical testing. Allele origin: germline.
Comment: This sequence change replaces methionine, which is neutral and non-polar, with threonine, which is neutral and polar, at codon 115 of the MSH3 protein (p.Met115Thr). This variant is present in population databases (no rsID available, gnomAD 0.01%). This variant has not been reported in the literature in individuals affected with MSH3-related conditions. ClinVar contains an entry for this variant (Variation ID: 660722). An algorithm developed to predict the effect of missense changes on protein structure and function outputs the following: PolyPhen-2: "Benign". The threonine amino acid residue is found in multiple mammalian species, which suggests that this missense change does not adversely affect protein function. In summary, the available evidence is currently insufficient to determine the role of this variant in disease. Therefore, it has been classified as a Variant of Uncertain Significance.

Blueprint Genetics
Classification: Likely benign. Last evaluated: 2023-10-30. Review status: criteria provided, single submitter. Criteria: ACMG Guidelines, 2015. Collection method: clinical testing. Allele origin: germline.

ARUP Laboratories, Molecular Genetics and Genomics, ARUP Laboratories
Classification: Uncertain significance. Last evaluated: 2021-01-10. Review status: criteria provided, single submitter. Criteria: ARUP Molecular Germline Variant Investigation Process 2021. Collection method: clinical testing. Allele origin: germline.
Comment: The MSH3 c.344T>C; p.Met115Thr variant (rs1424813265), to our knowledge, is not reported in the medical literature but is reported in ClinVar (Variation ID: 660722). This variant is only observed on a single allele in the Genome Aggregation Database, indicating it is not a common polymorphism. The methionine at codon 115 is weakly conserved, and computational analyses are uncertain whether this variant is neutral or deleterious (REVEL: 0.263). Due to limited information, the clinical significance of the p.Met115Thr variant is uncertain at this time.